The following is an entry in ClinVar:

NM_020771.4(HACE1):c.1077T>C (p.Pro359=)

Gene: HACE1 (HECT domain and ankyrin repeat containing E3 ubiquitin protein ligase 1; minus strand). Cytogenetic location: 6q16.3.
Variant type: single nucleotide variant.
Coding change: c.1077T>C on transcript NM_020771.4 (MANE Select); coding-DNA position 1077, T replaced by C.
Protein change: p.Pro359=; no amino-acid change (proline 359 retained).
Molecular consequence: synonymous variant. On other transcripts: non-coding transcript variant (7).
Genome position (GRCh38, 1-based): chr6:104,785,317, A>G on the plus strand (T>C on the coding strand, the complement: HACE1 is on the minus strand). VCF-style: chr6-104785317-A-G. GRCh37 (hg19) VCF-style: chr6-105233192-A-G.
Other names: c.786T>C, p.Pro262= (NM_001350555.2); c.591T>C, p.Pro197= (NM_001350556.2); c.573T>C, p.Pro191= (NM_001350557.2, NM_001350558.2, NM_001321084.2); c.495T>C, p.Pro165= (NM_001350559.2); c.294T>C, p.Pro98= (NM_001350560.2); c.945T>C, p.Pro315= (NM_001321080.2); c.975T>C, p.Pro325= (NM_001321083.2); c.843T>C, p.Pro281= (NM_001350554.2).
Identifiers: ClinVar variation 718998 (VCV000718998.8), dbSNP rs1582458377, ClinGen allele CA451576207.

ClinVar aggregate classification (germline): Likely benign. Review status: criteria provided, single submitter (1 of 4 stars). 2 submissions from 2 submitters: Likely benign (1). 1 of the submissions does not count toward it. Last evaluated 2024-12-04.

Conditions:
HACE1-related disorder. Also called: HACE1-related condition.

Submissions (2):

Labcorp Genetics (formerly Invitae), Labcorp
Classification: Likely benign. Last evaluated: 2024-12-04. Review status: criteria provided, single submitter. Criteria: Invitae Variant Classification Sherloc (09022015). Collection method: clinical testing. Allele origin: germline.

PreventionGenetics, part of Exact Sciences
Classification: Likely benign for HACE1-related condition. Last evaluated: 2023-09-21. Review status: no assertion criteria provided. Collection method: clinical testing. Allele origin: germline. Not counted in ClinVar's aggregate classification.
Comment: This variant is classified as likely benign based on ACMG/AMP sequence variant interpretation guidelines (Richards et al. 2015 PMID: 25741868, with internal and published modifications).